The following is an entry in ClinVar:

ClinVar aggregate classification (germline): Likely benign (0 of 4 stars; one submission).

Conditions:
SEMA6D-related disorder. Also called: SEMA6D-related condition.

Allele frequency attached by ClinVar (database versions not stated): gnomAD 0.00001; gnomAD exomes 0.00003; TOPMed 0.00003; ExAC 0.00005.
gnomAD v4.1: 42 of 1,613,666 alleles (0.0026%); highest among the groups gnomAD compares: South Asian, 0.0033%; no homozygotes.

Submission:

PreventionGenetics, part of Exact Sciences
Classification: Likely benign for SEMA6D-related condition. Last evaluated: 2019-08-06. Review status: no assertion criteria provided. Collection method: clinical testing. Allele origin: germline.
Comment: This variant is classified as likely benign based on ACMG/AMP sequence variant interpretation guidelines (Richards et al. 2015 PMID: 25741868, with internal and published modifications).

NM_001358351.3(SEMA6D):c.1266G>A (p.Thr422=)

Genes: SEMA6D (semaphorin 6D; plus strand), LOC126862120 (BRD4-independent group 4 enhancer GRCh37_chr15:48056535-48057734; plus strand). Cytogenetic location: 15q21.1.
Variant type: single nucleotide variant.
Coding change: c.1266G>A on transcript NM_001358351.3 (MANE Select); coding-DNA position 1266, G replaced by A.
Protein change: p.Thr422=; no amino-acid change (threonine 422 retained).
Molecular consequence: synonymous variant.
Genome position (GRCh38, 1-based): chr15:47,764,895, G>A. VCF-style: chr15-47764895-G-A. GRCh37 (hg19) VCF-style: chr15-48057092-G-A.
Other names: c.1266G>A, p.Thr422= (NM_001198999.2, NM_001358352.2, NM_020858.2 and 5 more transcripts).
Identifiers: ClinVar variation 3034693 (VCV003034693.2), dbSNP rs746940650, ClinGen allele CA7545248.
Genomic context (GRCh38, chr15:47,764,895, plus strand): 5'-CTCTGCCCGTTGGCCTCCCCTTCTGATCTGTGCCGCCTCCTCTTGTAGGTACAGACTGAC[G>A]GCCATCTCAGTGGACCATTCAGCCGGACCCTACCAGAACTACACAGTCATCTTTGTTGGC-3'
Protein context (NP_001345280.1, residues 412-432): FTKTRVRYRL[Thr422=]AISVDHSAGP